The following is an entry in ClinVar:

ClinVar aggregate classification (germline): Uncertain significance (1 of 4 stars; one submission).

Conditions:
Chédiak-Higashi syndrome (CHS). Also called: Chediak-Higashi Syndrome. Identifiers: Orphanet 167, MedGen C0007965, MONDO:0008963, OMIM 214500.

Allele frequency attached by ClinVar (database versions not stated): TOPMed 0.00001; gnomAD 0.00002; gnomAD exomes 0.00002; ExAC 0.00003.
gnomAD v4.1: 30 of 1,613,928 alleles (0.0019%); highest among the groups gnomAD compares: Non-Finnish European, 0.0024%; no homozygotes.

Submission:

Labcorp Genetics (formerly Invitae), Labcorp
Classification: Uncertain significance for Chédiak-Higashi syndrome. Last evaluated: 2021-09-01. Review status: criteria provided, single submitter. Criteria: Invitae Variant Classification Sherloc (09022015). Collection method: clinical testing. Allele origin: germline.
Comment: This sequence change replaces methionine with valine at codon 430 of the LYST protein (p.Met430Val). The methionine residue is weakly conserved and there is a small physicochemical difference between methionine and valine. This variant is present in population databases (rs780097017, ExAC 0.006%). This variant has not been reported in the literature in individuals affected with LYST-related conditions. Algorithms developed to predict the effect of missense changes on protein structure and function output the following: SIFT: "Tolerated"; PolyPhen-2: "Benign"; Align-GVGD: "Class C0". The valine amino acid residue is found in multiple mammalian species, which suggests that this missense change does not adversely affect protein function. In summary, the available evidence is currently insufficient to determine the role of this variant in disease. Therefore, it has been classified as a Variant of Uncertain Significance.

NM_000081.4(LYST):c.1288A>G (p.Met430Val)

Gene: LYST (lysosomal trafficking regulator; minus strand). Cytogenetic location: 1q42.3.
Variant type: single nucleotide variant.
Coding change: c.1288A>G on transcript NM_000081.4 (MANE Select); coding-DNA position 1288, A replaced by G.
Protein change: p.Met430Val; replaces methionine 430 with valine.
Molecular consequence: missense variant.
Genome position (GRCh38, 1-based): chr1:235,809,530, T>C on the plus strand (A>G on the coding strand, the complement: LYST is on the minus strand). VCF-style: chr1-235809530-T-C. GRCh37 (hg19) VCF-style: chr1-235972830-T-C.
Other names: c.1288A>G, p.Met430Val (NM_001301365.1); short protein forms M430V.
Identifiers: ClinVar variation 1514403 (VCV001514403.5), dbSNP rs780097017, ClinGen allele CA1467489.